The following is an entry in ClinVar:

NM_020632.3(ATP6V0A4):c.1528C>A (p.Pro510Thr)

Gene: ATP6V0A4 (ATPase H+ transporting V0 subunit a4; minus strand). Cytogenetic location: 7q34.
Variant type: single nucleotide variant.
Coding change: c.1528C>A on transcript NM_020632.3 (MANE Select); coding-DNA position 1528, C replaced by A.
Protein change: p.Pro510Thr; replaces proline 510 with threonine.
Molecular consequence: missense variant.
Genome position (GRCh38, 1-based): chr7:138,739,584, G>T on the plus strand (C>A on the coding strand, the complement: ATP6V0A4 is on the minus strand). VCF-style: chr7-138739584-G-T. GRCh37 (hg19) VCF-style: chr7-138424329-G-T.
Other names: c.1528C>A (NM_020632.2); c.1528C>A, p.Pro510Thr (NM_130840.3, NM_130841.3); short protein forms P510T.
Identifiers: ClinVar variation 2160228 (VCV002160228.8), dbSNP rs148936107, ClinGen allele CA4504742.

ClinVar aggregate classification (germline): Uncertain significance. Review status: criteria provided, multiple submitters, no conflicts (2 of 4 stars). 6 submissions from 6 submitters: Uncertain significance (6). Last evaluated 2025-05-05.

Conditions:
Renal tubular acidosis, distal, 3, with or without sensorineural hearing loss (DRTA3). Identifiers: MedGen C5399980, MONDO:0011268, OMIM 602722.
Inborn genetic diseases. Identifiers: MedGen C0950123, MeSH D030342.

Allele frequency attached by ClinVar (database versions not stated): ExAC 0.00013; gnomAD 0.00015; gnomAD exomes 0.00017; TOPMed 0.00018; ESP Exome Variant Server 0.00023.
gnomAD v4.1: 267 of 1,614,026 alleles (0.017%); highest among the groups gnomAD compares: Non-Finnish European, 0.021%; no homozygotes.

Submissions (6):

GeneDx
Classification: Uncertain significance. Last evaluated: 2025-05-05. Review status: criteria provided, single submitter. Criteria: GeneDx Variant Classification Process June 2021. Collection method: clinical testing. Allele origin: germline. Affected: yes.
Comment: In silico analysis suggests that this missense variant does not alter protein structure/function; Has not been previously published as pathogenic or benign to our knowledge

Blueprint Genetics
Classification: Uncertain significance. Last evaluated: 2024-11-21. Review status: criteria provided, single submitter. Criteria: ACMG Guidelines, 2015. Collection method: clinical testing. Allele origin: germline.

Fulgent Genetics
Classification: Uncertain significance for Renal tubular acidosis, distal, 3, with or without sensorineural hearing loss. Last evaluated: 2024-04-20. Review status: criteria provided, single submitter. Criteria: ACMG Guidelines, 2015. Collection method: clinical testing. Allele origin: germline.

Labcorp Genetics (formerly Invitae), Labcorp
Classification: Uncertain significance. Last evaluated: 2022-10-05. Review status: criteria provided, single submitter. Criteria: Invitae Variant Classification Sherloc (09022015). Collection method: clinical testing. Allele origin: germline.
Comment: This sequence change replaces proline, which is neutral and non-polar, with threonine, which is neutral and polar, at codon 510 of the ATP6V0A4 protein (p.Pro510Thr). This variant is present in population databases (rs148936107, gnomAD 0.04%). This variant has not been reported in the literature in individuals affected with ATP6V0A4-related conditions. Advanced modeling of protein sequence and biophysical properties (such as structural, functional, and spatial information, amino acid conservation, physicochemical variation, residue mobility, and thermodynamic stability) performed at Invitae indicates that this missense variant is not expected to disrupt ATP6V0A4 protein function. In summary, the available evidence is currently insufficient to determine the role of this variant in disease. Therefore, it has been classified as a Variant of Uncertain Significance.

Ambry Genetics
Classification: Uncertain significance for Inborn genetic diseases. Last evaluated: 2021-07-14. Review status: criteria provided, single submitter. Criteria: Ambry Variant Classification Scheme 2023. Collection method: clinical testing. Allele origin: germline.

Revvity Omics, Revvity
Classification: Uncertain significance for Renal tubular acidosis, distal, 3, with or without sensorineural hearing loss. Last evaluated: 2021-03-17. Review status: criteria provided, single submitter. Criteria: ACMG Guidelines, 2015. Collection method: clinical testing. Allele origin: germline.